The following is an entry in ClinVar:

NM_001347886.2(DNAH3):c.10900G>T (p.Val3634Phe)

Gene: DNAH3 (dynein axonemal heavy chain 3; minus strand). Cytogenetic location: 16p12.3.
Variant type: single nucleotide variant.
Coding change: c.10900G>T on transcript NM_001347886.2 (MANE Select); coding-DNA position 10900, G replaced by T.
Protein change: p.Val3634Phe; replaces valine 3634 with phenylalanine.
Molecular consequence: missense variant.
Genome position (GRCh38, 1-based): chr16:20,954,846, C>A on the plus strand (G>T on the coding strand, the complement: DNAH3 is on the minus strand). VCF-style: chr16-20954846-C-A. GRCh37 (hg19) VCF-style: chr16-20966168-C-A.
Other names: c.11038G>T, p.Val3680Phe (NM_017539.2); short protein forms V3634F, V3680F.
Identifiers: ClinVar variation 2646287 (VCV002646287.24), dbSNP rs142557616, ClinGen allele CA7945891.
Genomic context (GRCh38, chr16:20,954,846, plus strand): 5'-CCACTCAGGTGCACTGTCATCGCTTACCTAGGGGGCCGAAGTTTCTTCTCTCTTGAACAA[C>A]GGCGTGGAAGAAACAAAGGCCAAATAACATCTTTTGCCACATCACCGCCTTTGCACAGCT-3'
Protein context (NP_001334815.1, residues 3624-3644): MLFGLCFFHA[Val3634Phe]VQERRNFGPL

ClinVar aggregate classification (germline): Likely benign (1 of 4 stars; one submission).

Allele frequency attached by ClinVar (database versions not stated): 1000 Genomes Project 30x 0.00219; 1000 Genomes Project 0.00260; ESP Exome Variant Server 0.00392.
gnomAD v4.1: 8,880 of 1,614,130 alleles (0.55%); highest among the groups gnomAD compares: Non-Finnish European, 0.53%; 44 homozygotes.

Submission:

CeGaT Center for Human Genetics Tuebingen
Classification: Likely benign. Last evaluated: 2025-06-01. Review status: criteria provided, single submitter. Criteria: CeGaT Center For Human Genetics Tuebingen Variant Classification Criteria Version 2. Collection method: clinical testing. Allele origin: germline. Affected: yes. Observed: 4 variant alleles.
Comment: DNAH3: BP4, BS2